The following is an entry in ClinVar:

ClinVar aggregate classification (germline): Benign/Likely benign. Review status: criteria provided, multiple submitters, no conflicts (2 of 4 stars). 6 submissions from 6 submitters: Benign (4); Likely benign (2). Last evaluated 2026-02-01.

Conditions:
Inborn genetic diseases. Identifiers: MedGen C0950123, MeSH D030342.
Developmental and epileptic encephalopathy, 42 (DEE42A). Also called: DEVELOPMENTAL AND EPILEPTIC ENCEPHALOPATHY 42A; EPILEPTIC ENCEPHALOPATHY, EARLY INFANTILE, 42A; Epileptic encephalopathy, early infantile, 42. Identifiers: MedGen C4310716, MONDO:0014917, OMIM 617106.
Episodic ataxia type 2 (EA2). Also called: ATAXIA, EPISODIC, WITH NYSTAGMUS; ATAXIA, FAMILIAL PAROXYSMAL; CEREBELLAR ATAXIA, PAROXYSMAL, ACETAZOLAMIDE-RESPONSIVE; CEREBELLOPATHY, HEREDITARY PAROXYSMAL; ACETAZOLAMIDE-RESPONSIVE HEREDITARY PAROXYSMAL CEREBELLAR ATAXIA; EPISODIC ATAXIA, NYSTAGMUS-ASSOCIATED. Identifiers: Orphanet 97, MedGen C1720416, MONDO:0007163, OMIM 108500.

Allele frequency attached by ClinVar (database versions not stated): gnomAD 0.00301 and 0.00314; ExAC 0.00318; gnomAD exomes 0.00347 and 0.00155; ESP Exome Variant Server 0.00024; TOPMed 0.00043; 1000 Genomes Project 30x 0.00156; 1000 Genomes Project 0.00180.
gnomAD v4.1: 2,724 of 1,613,140 alleles (0.17%); highest among the groups gnomAD compares: East Asian, 0.34%; 39 homozygotes.

Submissions (6):

CeGaT Center for Human Genetics Tuebingen
Classification: Likely benign. Last evaluated: 2026-02-01. Review status: criteria provided, single submitter. Criteria: CeGaT Center For Human Genetics Tuebingen Variant Classification Criteria Version 2. Collection method: clinical testing. Allele origin: germline. Affected: yes. Observed: 11 variant alleles.
Comment: CACNA1A: BP4, BS1

Labcorp Genetics (formerly Invitae), Labcorp
Classification: Benign for Developmental and epileptic encephalopathy, 42; Episodic ataxia type 2. Last evaluated: 2026-01-17. Review status: criteria provided, single submitter. Criteria: Invitae Variant Classification Sherloc (09022015). Collection method: clinical testing. Allele origin: germline.

Blueprint Genetics
Classification: Likely benign. Last evaluated: 2024-11-21. Review status: criteria provided, single submitter. Criteria: ACMG Guidelines, 2015. Collection method: clinical testing. Allele origin: germline.

Athena Diagnostics
Classification: Benign. Last evaluated: 2021-04-30. Review status: criteria provided, single submitter. Criteria: Athena Diagnostics criteria. Collection method: clinical testing. Allele origin: unknown.

GeneDx
Classification: Benign. Last evaluated: 2017-10-19. Review status: criteria provided, single submitter. Criteria: GeneDx Variant Classification (06012015). Collection method: clinical testing. Allele origin: germline. Affected: yes.
Comment: This variant is considered likely benign or benign based on one or more of the following criteria: it is a conservative change, it occurs at a poorly conserved position in the protein, it is predicted to be benign by multiple in silico algorithms, and/or has population frequency not consistent with disease.

Ambry Genetics
Classification: Benign for Inborn genetic diseases. Last evaluated: 2016-05-06. Review status: criteria provided, single submitter. Criteria: Ambry Variant Classification Scheme 2023. Collection method: clinical testing. Allele origin: germline.

NM_001127222.2(CACNA1A):c.1698C>T (p.Ile566=)

Gene: CACNA1A (calcium voltage-gated channel subunit alpha1 A; minus strand). Cytogenetic location: 19p13.13.
Variant type: single nucleotide variant.
Coding change: c.1698C>T on transcript NM_001127222.2 (MANE Select); coding-DNA position 1698, C replaced by T.
Protein change: p.Ile566=; no amino-acid change (isoleucine 566 retained).
Molecular consequence: synonymous variant.
Genome position (GRCh38, 1-based): chr19:13,308,499, G>A on the plus strand (C>T on the coding strand, the complement: CACNA1A is on the minus strand). VCF-style: chr19-13308499-G-A. GRCh37 (hg19) VCF-style: chr19-13419313-G-A.
Other names: c.1701C>T, p.Ile567= (NM_000068.4, NM_001127221.2, NM_001174080.2 and 1 more transcripts); c.1701C>T (NM_000068.2).
Identifiers: ClinVar variation 390994 (VCV000390994.46), dbSNP rs190603219, ClinGen allele CA9240749.